The following is an entry in ClinVar:

NM_003002.4(SDHD):c.365A>G (p.Lys122Arg)

Gene: SDHD (succinate dehydrogenase complex subunit D; plus strand). Cytogenetic location: 11q23.1.
Variant type: single nucleotide variant.
Coding change: c.365A>G on transcript NM_003002.4 (MANE Select); coding-DNA position 365, A replaced by G.
Protein change: p.Lys122Arg; replaces lysine 122 with arginine.
Molecular consequence: missense variant. On other transcripts: 3 prime UTR variant (1), non-coding transcript variant (1).
Genome position (GRCh38, 1-based): chr11:112,094,855, A>G. VCF-style: chr11-112094855-A-G. GRCh37 (hg19) VCF-style: chr11-111965579-A-G.
Other names: c.365A>G (NM_003002.2); c.220A>G, p.Lys74Glu (NM_001276503.2); c.248A>G, p.Lys83Arg (NM_001276504.2); c.*63A>G (NM_001276506.2); short protein forms K122R, K83R, K74E.
Identifiers: ClinVar variation 2938458 (VCV002938458.3), dbSNP rs2498917394, ClinGen allele CA382618999.

ClinVar aggregate classification (germline): Uncertain significance. Review status: criteria provided, multiple submitters, no conflicts (2 of 4 stars). 2 submissions from 2 submitters: Uncertain significance (2). Last evaluated 2025-12-11.

Conditions:
Cowden syndrome 3 (CWS3). Identifiers: Orphanet 201, MedGen CN166604, MONDO:0014045.
Paragangliomas with sensorineural hearing loss. Identifiers: MedGen C1868633.
Pheochromocytoma. Also called: MAX-Related Hereditary Paraganglioma-Pheochromocytoma Syndrome. Identifiers: Orphanet 29072, MedGen C0031511, MONDO:0008233, OMIM 171300, HP:0002666.
Carney-Stratakis syndrome. Also called: PARAGANGLIOMA AND GASTROINTESTINAL STROMAL TUMOR. Identifiers: Orphanet 97286, MedGen C1847319, MONDO:0011740, OMIM 606864.
Hereditary cancer-predisposing syndrome. Also called: Hereditary Cancer Syndrome; Neoplastic Syndromes, Hereditary; Tumor predisposition; Hereditary neoplastic syndrome. Identifiers: Orphanet 140162, MedGen C0027672, MeSH D009386, MONDO:0015356.

Submissions (2):

Ambry Genetics
Classification: Uncertain significance for Hereditary cancer-predisposing syndrome. Last evaluated: 2025-12-11. Review status: criteria provided, single submitter. Criteria: Ambry Variant Classification Scheme 2023. Collection method: clinical testing. Allele origin: germline.
Comment: The p.K122R variant (also known as c.365A>G), located in coding exon 4 of the SDHD gene, results from an A to G substitution at nucleotide position 365. The lysine at codon 122 is replaced by arginine, an amino acid with highly similar properties. This amino acid position is highly conserved in available vertebrate species. In addition, this alteration is predicted to be deleterious by in silico analysis. Based on the available evidence, the clinical significance of this variant remains unclear.

Labcorp Genetics (formerly Invitae), Labcorp
Classification: Uncertain significance for Carney-Stratakis syndrome; Paragangliomas with sensorineural hearing loss; Pheochromocytoma; Cowden syndrome 3. Last evaluated: 2024-04-25. Review status: criteria provided, single submitter. Criteria: Invitae Variant Classification Sherloc (09022015). Collection method: clinical testing. Allele origin: germline.
Comment: This sequence change replaces lysine, which is basic and polar, with arginine, which is basic and polar, at codon 122 of the SDHD protein (p.Lys122Arg). This variant is not present in population databases (gnomAD no frequency). This variant has not been reported in the literature in individuals affected with SDHD-related conditions. Advanced modeling of protein sequence and biophysical properties (such as structural, functional, and spatial information, amino acid conservation, physicochemical variation, residue mobility, and thermodynamic stability) has been performed at Invitae for this missense variant, however the output from this modeling did not meet the statistical confidence thresholds required to predict the impact of this variant on SDHD protein function. In summary, the available evidence is currently insufficient to determine the role of this variant in disease. Therefore, it has been classified as a Variant of Uncertain Significance.